The following is an entry in ClinVar:

NM_001182.5(ALDH7A1):c.1232C>A (p.Pro411Gln)

Gene: ALDH7A1 (aldehyde dehydrogenase 7 family member A1; minus strand). Cytogenetic location: 5q23.2.
Variant type: single nucleotide variant.
Coding change: c.1232C>A on transcript NM_001182.5 (MANE Select); coding-DNA position 1232, C replaced by A.
Protein change: p.Pro411Gln; replaces proline 411 with glutamine.
Molecular consequence: missense variant.
Genome position (GRCh38, 1-based): chr5:126,552,106, G>T on the plus strand (C>A on the coding strand, the complement: ALDH7A1 is on the minus strand). VCF-style: chr5-126552106-G-T. GRCh37 (hg19) VCF-style: chr5-125887798-G-T.
Other names: c.1148C>A, p.Pro383Gln (NM_001201377.2); c.1040C>A, p.Pro347Gln (NM_001202404.2); short protein forms P347Q, P383Q, P411Q.
Identifiers: ClinVar variation 3339118 (VCV003339118.1).

ClinVar aggregate classification (germline): Uncertain significance (1 of 4 stars; one submission).

gnomAD v4.1: 1 of 1,613,906 alleles (0.000062%); highest among the groups gnomAD compares: African/African-American, 0.0013%; no homozygotes.

Submission:

Women's Health and Genetics/Laboratory Corporation of America, LabCorp
Classification: Uncertain significance. Last evaluated: 2024-07-05. Review status: criteria provided, single submitter. Criteria: LabCorp Variant Classification Summary - May 2015. Collection method: clinical testing. Allele origin: germline.
Comment: Variant summary: ALDH7A1 c.1232C>A (p.Pro411Gln) results in a non-conservative amino acid change located in the Aldehyde dehydrogenase domain (IPR015590) of the encoded protein sequence. Five of five in-silico tools predict a damaging effect of the variant on protein function. The variant allele was found at a frequency of 4e-06 in 251210 control chromosomes (gnomAD). The available data on variant occurrences in the general population are insufficient to allow any conclusion about variant significance. To our knowledge, no occurrence of c.1232C>A in individuals affected with Pyridoxine-Dependent Epilepsy and no experimental evidence demonstrating its impact on protein function have been reported. No submitters have cited clinical-significance assessments for this variant to ClinVar. Based on the evidence outlined above, the variant was classified as uncertain significance.